The following is an entry in ClinVar:

ClinVar aggregate classification (germline): Uncertain significance (1 of 4 stars; one submission).

Submission:

Labcorp Genetics (formerly Invitae), Labcorp
Classification: Uncertain significance. Last evaluated: 2024-03-04. Review status: criteria provided, single submitter. Criteria: Invitae Variant Classification Sherloc (09022015). Collection method: clinical testing. Allele origin: germline.
Comment: This sequence change replaces aspartic acid, which is acidic and polar, with glutamic acid, which is acidic and polar, at codon 533 of the TAPT1 protein (p.Asp533Glu). This variant is not present in population databases (gnomAD no frequency). This variant has not been reported in the literature in individuals affected with TAPT1-related conditions. ClinVar contains an entry for this variant (Variation ID: 1513469). Algorithms developed to predict the effect of missense changes on protein structure and function output the following: SIFT: "Not Available"; PolyPhen-2: "Benign"; Align-GVGD: "Not Available". The glutamic acid amino acid residue is found in multiple mammalian species, which suggests that this missense change does not adversely affect protein function. In summary, the available evidence is currently insufficient to determine the role of this variant in disease. Therefore, it has been classified as a Variant of Uncertain Significance.

NM_153365.3(TAPT1):c.1599C>A (p.Asp533Glu)

Gene: TAPT1 (transmembrane anterior posterior transformation 1; minus strand). Cytogenetic location: 4p15.32.
Variant type: single nucleotide variant.
Coding change: c.1599C>A on transcript NM_153365.3 (MANE Select); coding-DNA position 1599, C replaced by A.
Protein change: p.Asp533Glu; replaces aspartic acid 533 with glutamic acid.
Molecular consequence: missense variant.
Genome position (GRCh38, 1-based): chr4:16,163,413, G>T on the plus strand (C>A on the coding strand, the complement: TAPT1 is on the minus strand). VCF-style: chr4-16163413-G-T. GRCh37 (hg19) VCF-style: chr4-16165036-G-T.
Other names: short protein forms D533E.
Identifiers: ClinVar variation 1513469 (VCV001513469.8), dbSNP rs34007466, ClinGen allele CA356491282.
Genomic context (GRCh38, chr4:16,163,413, plus strand): 5'-CAAATCTTTCTTTGAGGATCTGTGTTTTAATTCAGAATTGTCCTGCGTTATGTCCTTCTC[G>T]TCACCATCTGGAGTTGTCAAAAACTGATCAGAATTGCTTGTCACAAGTAATGGTATGATA-3'
Protein context (NP_699196.2, residues 523-543): SDQFLTTPDG[Asp533Glu]EKDITQDNSE